The following is an entry in ClinVar:

ClinVar aggregate classification (germline): Uncertain significance. Review status: criteria provided, multiple submitters, no conflicts (2 of 4 stars). 2 submissions from 2 submitters: Uncertain significance (2). Last evaluated 2025-08-08.

Conditions:
Inborn genetic diseases. Identifiers: MedGen C0950123, MeSH D030342.

Allele frequency attached by ClinVar (database versions not stated): gnomAD 0.00002; gnomAD exomes 0.00002 and 0.00005; TOPMed 0.00004; ExAC 0.00008.
gnomAD v4.1: 35 of 1,613,974 alleles (0.0022%); highest among the groups gnomAD compares: Non-Finnish European, 0.0028%; no homozygotes.

Submissions (2):

Ambry Genetics
Classification: Uncertain significance for Inborn genetic diseases. Last evaluated: 2025-08-08. Review status: criteria provided, single submitter. Criteria: Ambry Variant Classification Scheme 2023. Collection method: clinical testing. Allele origin: germline.

Labcorp Genetics (formerly Invitae), Labcorp
Classification: Uncertain significance. Last evaluated: 2021-07-27. Review status: criteria provided, single submitter. Criteria: Invitae Variant Classification Sherloc (09022015). Collection method: clinical testing. Allele origin: germline.
Comment: This sequence change replaces threonine with lysine at codon 65 of the USB1 protein (p.Thr65Lys). The threonine residue is weakly conserved and there is a moderate physicochemical difference between threonine and lysine. This variant is present in population databases (rs749129393, ExAC 0.02%). This variant has not been reported in the literature in individuals affected with USB1-related conditions. Algorithms developed to predict the effect of missense changes on protein structure and function are either unavailable or do not agree on the potential impact of this missense change (SIFT: "Not Available"; PolyPhen-2: "Benign"; Align-GVGD: "Not Available"). In summary, the available evidence is currently insufficient to determine the role of this variant in disease. Therefore, it has been classified as a Variant of Uncertain Significance.

NM_024598.4(USB1):c.194C>A (p.Thr65Lys)

Gene: USB1 (U6 snRNA biogenesis phosphodiesterase 1; plus strand). Cytogenetic location: 16q21.
Variant type: single nucleotide variant.
Coding change: c.194C>A on transcript NM_024598.4 (MANE Select); coding-DNA position 194, C replaced by A.
Protein change: p.Thr65Lys; replaces threonine 65 with lysine.
Molecular consequence: missense variant.
Genome position (GRCh38, 1-based): chr16:58,002,574, C>A. VCF-style: chr16-58002574-C-A. GRCh37 (hg19) VCF-style: chr16-58036478-C-A.
Other names: c.194C>A, p.Thr65Lys (NM_001195302.2, NM_001204911.2, NM_001330569.2); c.41C>A, p.Thr14Lys (NM_001330568.2); c.194C>A (NM_024598.3); short protein forms T14K, T65K.
Identifiers: ClinVar variation 1359448 (VCV001359448.6), dbSNP rs749129393, ClinGen allele CA8084826.